The following is an entry in ClinVar:

NM_000051.4(ATM):c.8565T>A (p.Ser2855Arg)

Genes: ATM (ATM serine/threonine kinase; plus strand), C11orf65 (chromosome 11 open reading frame 65; minus strand). Cytogenetic location: 11q22.3.
Variant type: single nucleotide variant.
Coding change: c.8565T>A on transcript NM_000051.4 (MANE Select); coding-DNA position 8565, T replaced by A.
Protein change: p.Ser2855Arg; replaces serine 2855 with arginine.
Molecular consequence: missense variant. On other transcripts: intron variant (2).
Genome position (GRCh38, 1-based): chr11:108,345,889, T>A. VCF-style: chr11-108345889-T-A. GRCh37 (hg19) VCF-style: chr11-108216616-T-A.
Other names: c.8565T>A, p.Ser2855Arg (NM_001351834.2); c.641-36818A>T (NM_001330368.2); c.695-10597A>T (NM_001351110.2); short protein forms S2855R.
Identifiers: ClinVar variation 961847 (VCV000961847.10), dbSNP rs780905851, ClinGen allele CA6266378.

ClinVar aggregate classification (germline): Pathogenic/Likely pathogenic. Review status: criteria provided, multiple submitters, no conflicts (2 of 4 stars). 2 submissions from 2 submitters: Pathogenic (1); Likely pathogenic (1). Last evaluated 2025-05-16.

Conditions:
Ataxia-telangiectasia syndrome (AT). Also called: Ataxia-telangiectasia, complementation group D; AT, COMPLEMENTATION GROUP C; ATAXIA-TELANGIECTASIA, COMPLEMENTATION GROUP A; ATAXIA-TELANGIECTASIA, FRESNO VARIANT; Ataxia-telangiectasia; Ataxia telangiectasia (A-T). Identifiers: Orphanet 100, MedGen C0004135, MONDO:0008840, OMIM 208900.

Allele frequency attached by ClinVar (database versions not stated): TOPMed 0.00001.
gnomAD v4.1: 6 of 1,613,658 alleles (0.00037%); highest among the groups gnomAD compares: Non-Finnish European, 0.00051%; no homozygotes.

Submissions (2):

Labcorp Genetics (formerly Invitae), Labcorp
Classification: Pathogenic for Ataxia-telangiectasia syndrome. Last evaluated: 2025-05-16. Review status: criteria provided, single submitter. Criteria: Invitae Variant Classification Sherloc (09022015). Collection method: clinical testing. Allele origin: germline.
Comment: This sequence change replaces serine, which is neutral and polar, with arginine, which is basic and polar, at codon 2855 of the ATM protein (p.Ser2855Arg). This variant is not present in population databases (gnomAD no frequency). This missense change has been observed in individual(s) with ataxia telangiectasia (PMID: 11857346; internal data). In at least one individual the data is consistent with being in trans (on the opposite chromosome) from a pathogenic variant. ClinVar contains an entry for this variant (Variation ID: 961847). Invitae Evidence Modeling of protein sequence and biophysical properties (such as structural, functional, and spatial information, amino acid conservation, physicochemical variation, residue mobility, and thermodynamic stability) indicates that this missense variant is expected to disrupt ATM protein function with a positive predictive value of 95%. For these reasons, this variant has been classified as Pathogenic.

Natera, Inc.
Classification: Likely pathogenic for Ataxia-telangiectasia. Last evaluated: 2024-09-18. Review status: criteria provided, single submitter. Criteria: Natera Variant Classification Schema (03/2026). Collection method: clinical testing. Allele origin: germline.
Comment: The c.8565T>A variant in ATM is a missense variant predicted to cause substitution of serine to arginine at amino acid 2855. This variant is rare in the general population with a frequency below the threshold expected for the associated phenotype(s). Another variant at this same site results in an alteration predicted to cause a similar molecular effect has been observed in individual(s) with the associated phenotype. Computational prediction algorithms indicate this variant is likely to affect gene or protein function. Given the available evidence, this variant is classified as Likely Pathogenic.

Literature cited by the submitters: PubMed 11857346 (cited by Labcorp Genetics (formerly Invitae), Labcorp).